The following is an entry in ClinVar:

ClinVar aggregate classification (germline): Uncertain significance (1 of 4 stars; one submission).

gnomAD v4.1: 1 of 1,614,214 alleles (0.000062%); highest among the groups gnomAD compares: Admixed American, 0.0017%; no homozygotes.

Submission:

Labcorp Genetics (formerly Invitae), Labcorp
Classification: Uncertain significance. Last evaluated: 2024-10-21. Review status: criteria provided, single submitter. Criteria: Invitae Variant Classification Sherloc (09022015). Collection method: clinical testing. Allele origin: germline.
Comment: This sequence change replaces asparagine, which is neutral and polar, with aspartic acid, which is acidic and polar, at codon 313 of the ADNP protein (p.Asn313Asp). This variant is not present in population databases (gnomAD no frequency). This variant has not been reported in the literature in individuals affected with ADNP-related conditions. An algorithm developed to predict the effect of missense changes on protein structure and function (PolyPhen-2) suggests that this variant is likely to be tolerated. In summary, the available evidence is currently insufficient to determine the role of this variant in disease. Therefore, it has been classified as a Variant of Uncertain Significance.

NM_001282531.3(ADNP):c.937A>G (p.Asn313Asp)

Gene: ADNP (activity dependent neuroprotector homeobox; minus strand). Cytogenetic location: 20q13.13.
Variant type: single nucleotide variant.
Coding change: c.937A>G on transcript NM_001282531.3 (MANE Select); coding-DNA position 937, A replaced by G.
Protein change: p.Asn313Asp; replaces asparagine 313 with aspartic acid.
Molecular consequence: missense variant.
Genome position (GRCh38, 1-based): chr20:50,893,777, T>C on the plus strand (A>G on the coding strand, the complement: ADNP is on the minus strand). VCF-style: chr20-50893777-T-C. GRCh37 (hg19) VCF-style: chr20-49510314-T-C.
Other names: c.937A>G, p.Asn313Asp (NM_001282532.2, NM_001347511.2, NM_015339.5 and 1 more transcripts); short protein forms N313D.
Identifiers: ClinVar variation 3649934 (VCV003649934.2).
Genomic context (GRCh38, chr20:50,893,777, plus strand): 5'-CATAGTTGTTCTGCTGCAGATGAACACTGGACATCATGTTGACTCCTGTAGAATTTAAGT[T>C]AGGCTTTGGTATTGAGAGTCGATTCACCATCTGCTGTGATGGTAAAGACCGGACATTTCC-3'
Protein context (NP_001269460.1, residues 303-323): MVNRLSIPKP[Asn313Asp]LNSTGVNMMS